The following is an entry in ClinVar:

ClinVar aggregate classification (germline): Likely pathogenic (1 of 4 stars; one submission).

Conditions:
Fanconi anemia complementation group A (FANCA). Also called: FANCA-Related Fanconi Anemia; Fanconi anemia, group A. Identifiers: Orphanet 84, MedGen C3469521, MONDO:0009215, OMIM 227650.

Submission:

GeneKor MSA
Classification: Likely pathogenic for Fanconi anemia complementation group A. Last evaluated: 2025-05-15. Review status: criteria provided, single submitter. Criteria: ACMG Guidelines, 2015. Collection method: clinical testing. Allele origin: germline.
Comment: This variant involves the insertion of a single nucleotide in exon 38 of the FANCA mRNA (c.3782dupT). The result is a frameshift and the creation of a premature stop codon after 16 altered amino acid residues – p.(Phe1262Leufs*16). This leads to premature termination of protein synthesis and functional inactivation of one allele. This mutation has not been previously reported in the international literature or in the ClinVar database. However, based on the classification criteria established by the ACMG and AMP (PMID:25741868), and the expected impact of the variant on FANCA protein function, this finding is considered likely pathogenic.

NM_000135.4(FANCA):c.3782dup (p.Phe1262fs)

Genes: FANCA (FA complementation group A; minus strand), ZNF276 (zinc finger protein 276; plus strand). Cytogenetic location: 16q24.3.
Variant type: Duplication.
Coding change: c.3782dup on transcript NM_000135.4 (MANE Select); coding-DNA position 3782, one base duplicated (T; older notation c.3782dupT).
Protein change: p.Phe1262fs; shifts the reading frame from phenylalanine 1262.
Molecular consequence: frameshift variant. On other transcripts: 3 prime UTR variant (2), non-coding transcript variant (4).
Genome position (GRCh38, 1-based): chr16:89,740,850, A duplicated on the plus strand (T on the coding strand, the reverse complement: FANCA is on the minus strand); the first of 4 consecutive A bases (chr16:89,740,850-89,740,853); duplicating any one gives the same sequence. VCF-style (leftmost placement, unchanged base first): chr16-89740849-G-GA. GRCh37 (hg19) VCF-style: chr16-89807257-G-GA.
Other names: c.3782dupT (NM_000135.4); c.3782dup, p.Phe1262fs (NM_001286167.3); c.*2607dup (NM_001113525.2, NM_152287.4); short protein forms F1262fs.
Identifiers: ClinVar variation 4077022 (VCV004077022.1).
Genomic context (GRCh38, chr16:89,740,849, plus strand): 5'-TAAGGTCTGACTTACATTTGAGGTCAGATGTGACGACAGCAGGCCCATCAAGGAGAAGAA[G>GA]AAAAGGAAAACCAATAGCTGTAAATAAAAACGTGCACTTATTATTACATTAAAATTACCT-3'